The following is an entry in ClinVar:

NM_001387430.1(SH2B1):c.1162A>T (p.Met388Leu)

Gene: SH2B1 (SH2B adaptor protein 1; plus strand). Cytogenetic location: 16p11.2.
Variant type: single nucleotide variant.
Coding change: c.1162A>T on transcript NM_001387430.1 (MANE Select); coding-DNA position 1162, A replaced by T.
Protein change: p.Met388Leu; replaces methionine 388 with leucine.
Molecular consequence: missense variant.
Genome position (GRCh38, 1-based): chr16:28,869,236, A>T. VCF-style: chr16-28869236-A-T. GRCh37 (hg19) VCF-style: chr16-28880557-A-T.
Other names: c.1162A>T, p.Met388Leu (NM_001145795.2, NM_001145796.2, NM_001145797.2 and 4 more transcripts); c.154A>T, p.Met52Leu (NM_001308294.2); short protein forms M388L, M52L.
Identifiers: ClinVar variation 1703344 (VCV001703344.2), dbSNP rs200233389, ClinGen allele CA395394251.

ClinVar aggregate classification (germline): Uncertain significance (1 of 4 stars; one submission).

Submission:

GeneDx
Classification: Uncertain significance. Last evaluated: 2022-02-24. Review status: criteria provided, single submitter. Criteria: GeneDx Variant Classification Process June 2021. Collection method: clinical testing. Allele origin: germline. Affected: yes.
Comment: Not observed at significant frequency in large population cohorts (gnomAD); In silico analysis supports that this missense variant has a deleterious effect on protein structure/function; Has not been previously published as pathogenic or benign to our knowledge